The following is an entry in ClinVar:

NM_001953.5(TYMP):c.857_858insT (p.Glu286fs)

Gene: TYMP (thymidine phosphorylase; minus strand). Cytogenetic location: 22q13.33.
Variant type: Insertion.
Coding change: c.857_858insT on transcript NM_001953.5 (MANE Select); coding-DNA positions 857 to 858, T inserted.
Protein change: p.Glu286fs; shifts the reading frame from glutamic acid 286.
Molecular consequence: frameshift variant.
Genome position: GRCh38 VCF-style: chr22-50526646-C-CA. GRCh37 (hg19) VCF-style: chr22-50965075-C-CA.
Other names: c.857_858insT, p.Glu286fs (NM_001113755.3, NM_001113756.3, NM_001257988.1 and 1 more transcripts); short protein forms E286fs.
Identifiers: ClinVar variation 1455931 (VCV001455931.6), dbSNP rs2148678717, ClinGen allele CA2573158300.
Genomic context (GRCh38, chr22:50,526,646, plus strand): 5'-GACCAGGTCCCTTAAGTCTGGCGGGCCTGCGCCGTCCATGCAGAGCAGCGCCTCCTCCAC[C>CA]TCCAGGGCGTGGCCCACGCAGCGACCCAGGGGCTTGTCCATGGCGGTCAGCGCTGCCGCG-3'

ClinVar aggregate classification (germline): Pathogenic (1 of 4 stars; one submission).

Submission:

Labcorp Genetics (formerly Invitae), Labcorp
Classification: Pathogenic. Last evaluated: 2021-05-21. Review status: criteria provided, single submitter. Criteria: Invitae Variant Classification Sherloc (09022015). Collection method: clinical testing. Allele origin: germline.
Comment: This sequence change results in a frameshift in the TYMP gene (p.Glu286Aspfs*?). While this is not anticipated to result in nonsense mediated decay, it is expected to disrupt the last 197 amino acid(s) of the TYMP protein and extend the protein by an uncertain number of additional amino acid residues. The frequency data for this variant in the population databases is considered unreliable, as metrics indicate insufficient coverage at this position in the ExAC database. This variant has not been reported in the literature in individuals with TYMP-related conditions. For these reasons, this variant has been classified as Pathogenic. This variant results in an extension of the TYMP protein. Other variant(s) that result in a similarly extended protein product (c.1327_1346del, p.Asp443Profs*?) have been determined to be pathogenic (PMID: 16198108, Invitae). This suggests that these extensions are likely to be causative of disease.

Literature cited by the submitters: PubMed 16198108.